The following is an entry in ClinVar:

ClinVar aggregate classification (germline): Uncertain significance (1 of 4 stars; one submission).

Conditions:
X-linked lymphoproliferative disease due to XIAP deficiency. Also called: XIAP DEFICIENCY; XIAP-Related Lymphoproliferative Disease, X-Linked. Identifiers: Orphanet 2442, Orphanet 538934, MedGen C1845076, MONDO:0010385, OMIM 300635.

Submission:

Labcorp Genetics (formerly Invitae), Labcorp
Classification: Uncertain significance for X-linked lymphoproliferative disease due to XIAP deficiency. Last evaluated: 2021-04-16. Review status: criteria provided, single submitter. Criteria: Invitae Variant Classification Sherloc (09022015). Collection method: clinical testing. Allele origin: germline.
Comment: In summary, the available evidence is currently insufficient to determine the role of this variant in disease. Therefore, it has been classified as a Variant of Uncertain Significance. Algorithms developed to predict the effect of missense changes on protein structure and function output the following: SIFT: "Not Available"; PolyPhen-2: "Benign"; Align-GVGD: "Not Available". The leucine amino acid residue is found in multiple mammalian species, suggesting that this missense change does not adversely affect protein function. These predictions have not been confirmed by published functional studies and their clinical significance is uncertain. This variant has not been reported in the literature in individuals with XIAP-related conditions. This variant is not present in population databases (ExAC no frequency). This sequence change replaces isoleucine with leucine at codon 269 of the XIAP protein (p.Ile269Leu). The isoleucine residue is moderately conserved and there is a small physicochemical difference between isoleucine and leucine.

NM_001167.4(XIAP):c.805A>C (p.Ile269Leu)

Gene: XIAP (X-linked inhibitor of apoptosis; plus strand). Cytogenetic location: Xq25.
Variant type: single nucleotide variant.
Coding change: c.805A>C on transcript NM_001167.4 (MANE Select); coding-DNA position 805, A replaced by C.
Protein change: p.Ile269Leu; replaces isoleucine 269 with leucine.
Molecular consequence: missense variant.
Genome position (GRCh38, 1-based): chrX:123,886,467, A>C. VCF-style: chrX-123886467-A-C. GRCh37 (hg19) VCF-style: chrX-123020317-A-C.
Other names: c.805A>C, p.Ile269Leu (NM_001204401.2, NM_001378590.1, NM_001378591.1 and 1 more transcripts); short protein forms I269L.
Identifiers: ClinVar variation 1388194 (VCV001388194.6), dbSNP rs2148090233, ClinGen allele CA414124687.